The following is an entry in ClinVar:

NM_000059.4(BRCA2):c.534A>G (p.Lys178=)

Gene: BRCA2 (BRCA2 DNA repair associated; plus strand). Cytogenetic location: 13q13.1.
Variant type: single nucleotide variant.
Coding change: c.534A>G on transcript NM_000059.4 (MANE Select); coding-DNA position 534, A replaced by G.
Protein change: p.Lys178=; no amino-acid change (lysine 178 retained).
Molecular consequence: synonymous variant.
Genome position (GRCh38, 1-based): chr13:32,326,516, A>G. VCF-style: chr13-32326516-A-G. GRCh37 (hg19) VCF-style: chr13-32900653-A-G.
Other names: p.K178K:AAA>AAG.
Identifiers: ClinVar variation 182277 (VCV000182277.27), dbSNP rs28897703, ClinGen allele CA022088.

ClinVar aggregate classification (germline): Likely benign. Review status: reviewed by expert panel (3 of 4 stars). 10 submissions from 10 submitters: Likely benign (1). 9 of the submissions do not count toward it. Last evaluated 2017-06-29.

Conditions:
BRCA2-related disorder. Also called: BRCA2-related condition; BRCA2-related disorders. Identifiers: MedGen CN239275.
Hereditary cancer-predisposing syndrome. Also called: Neoplastic Syndromes, Hereditary; Tumor predisposition; Hereditary neoplastic syndrome; Hereditary Cancer Syndrome. Identifiers: Orphanet 140162, MedGen C0027672, MeSH D009386, MONDO:0015356.
Hereditary breast ovarian cancer syndrome. Also called: Hereditary breast and/or ovarian cancer syndrome; Hereditary breast and ovarian cancer syndrome; Hereditary breast and ovarian cancer; Hereditary breast and ovarian cancer syndrome (HBOC); Breast and ovarian cancer; BRCA1- and BRCA2-Associated Hereditary Breast and Ovarian Cancer. Identifiers: Orphanet 145, MedGen C0677776, MeSH D061325, MONDO:0003582. Disease mechanism: loss of function.
Breast-ovarian cancer, familial, susceptibility to, 2 (BROVCA2). Also called: BRCA2 Hereditary Breast and Ovarian Cancer. Identifiers: Orphanet 145, MedGen C2675520, MONDO:0012933, OMIM 612555. Disease mechanism: loss of function.

Allele frequency attached by ClinVar (database versions not stated): gnomAD exomes 0.00001; ExAC 0.00002; gnomAD 0.00002; TOPMed 0.00002.
gnomAD v4.1: 23 of 1,613,398 alleles (0.0014%); highest among the groups gnomAD compares: Non-Finnish European, 0.002%; no homozygotes.

Submissions (10):

Evidence-based Network for the Interpretation of Germline Mutant Alleles (ENIGMA)
Classification: Likely benign for Breast-ovarian cancer, familial, susceptibility to, 2. Last evaluated: 2017-06-29. Review status: reviewed by expert panel. Criteria: ENIGMA BRCA1/2 Classification Criteria (2017-06-29). Collection method: curation. Allele origin: germline.
Comment: Synonymous substitution variant, with low bioinformatic likelihood to result in a splicing aberration (Splicing prior probability 0.02).

Labcorp Genetics (formerly Invitae), Labcorp
Classification: Likely benign for Hereditary breast ovarian cancer syndrome. Last evaluated: 2026-01-19. Review status: criteria provided, single submitter. Criteria: Invitae Variant Classification Sherloc (09022015). Collection method: clinical testing. Allele origin: germline. Not counted in ClinVar's aggregate classification.

PreventionGenetics, part of Exact Sciences
Classification: Likely benign for BRCA2-related condition. Last evaluated: 2025-05-28. Review status: criteria provided, single submitter. Criteria: ACMG Guidelines, 2015. Collection method: clinical testing. Allele origin: germline. Not counted in ClinVar's aggregate classification.
Comment: This variant is classified as likely benign based on ACMG/AMP sequence variant interpretation guidelines (Richards et al. 2015 PMID: 25741868, with internal and published modifications).

Women's Health and Genetics/Laboratory Corporation of America, LabCorp
Classification: Likely benign. Last evaluated: 2024-07-18. Review status: criteria provided, single submitter. Criteria: LabCorp Variant Classification Summary - May 2015. Collection method: clinical testing. Allele origin: germline. Not counted in ClinVar's aggregate classification.
Comment: Variant summary: BRCA2 c.534A>G alters a conserved nucleotide resulting in a synonymous change. Consensus agreement among computation tools predict no significant impact on normal splicing. At least one publication reports experimental evidence supporting no effect of this variant on exon 7 skipping (Giacomo_2013). The variant allele was found at a frequency of 1.2e-05 in 251384 control chromosomes. The available data on variant occurrences in the general population are insufficient to allow any conclusion about variant significance. To our knowledge, no occurrence of c.534A>G in individuals affected with Hereditary Breast And Ovarian Cancer Syndrome and no experimental evidence demonstrating its impact on protein function have been reported in the literature. A co-occurrence with another pathogenic variant has been observed (BRCA1 c.4524G>A, p.W1508*), providing supporting evidence for a benign role. The following publications have been ascertained in the context of this evaluation (PMID: 23983145, 26761715). ClinVar contains an entry for this variant (Variation ID: 182277). Based on the evidence outlined above, the variant was classified as likely benign.

All of Us Research Program, National Institutes of Health
Classification: Likely benign for Breast-ovarian cancer, familial, susceptibility to, 2. Last evaluated: 2023-10-02. Review status: criteria provided, single submitter. Criteria: ACMG Guidelines, 2015. Collection method: clinical testing. Allele origin: germline. Inheritance: Autosomal dominant inheritance. Observed: 2 variant alleles, 2 heterozygotes. Not counted in ClinVar's aggregate classification.
Comment: This study involves interpretation of variants in research participants for the purpose of population health screening. Participant phenotype was not available at the time of variant classification. Additional details can be found in publication PMID: 35346344, PMCID: PMC8962531

Sema4
Classification: Likely benign for Hereditary cancer-predisposing syndrome. Last evaluated: 2021-02-23. Review status: criteria provided, single submitter. Criteria: Sema4 Curation Guidelines. Collection method: curation. Allele origin: germline. Not counted in ClinVar's aggregate classification.

Quest Diagnostics Nichols Institute San Juan Capistrano
Classification: Likely benign. Last evaluated: 2018-12-14. Review status: criteria provided, single submitter. Criteria: Quest Diagnostics criteria. Collection method: clinical testing. Allele origin: germline. Not counted in ClinVar's aggregate classification.

Color Diagnostics, LLC DBA Color Health
Classification: Likely benign for Hereditary cancer-predisposing syndrome. Last evaluated: 2017-02-03. Review status: criteria provided, single submitter. Criteria: ACMG Guidelines, 2015. Collection method: clinical testing. Allele origin: germline. Not counted in ClinVar's aggregate classification.

Ambry Genetics
Classification: Likely benign for Hereditary cancer-predisposing syndrome. Last evaluated: 2015-07-24. Review status: criteria provided, single submitter. Criteria: Ambry Variant Classification Scheme 2023. Collection method: clinical testing. Allele origin: germline. Not counted in ClinVar's aggregate classification.

GeneDx
Classification: Benign. Last evaluated: 2014-09-29. Review status: criteria provided, single submitter. Criteria: GeneDx Variant Classification (06012015). Collection method: clinical testing. Allele origin: germline. Affected: yes. Not counted in ClinVar's aggregate classification.
Comment: This variant is considered likely benign or benign based on one or more of the following criteria: it is a conservative change, it occurs at a poorly conserved position in the protein, it is predicted to be benign by multiple in silico algorithms, and/or has population frequency not consistent with disease.

Literature cited by the submitters: PubMed 23983145 (cited by Women's Health and Genetics/Laboratory Corporation of America, LabCorp and Quest Diagnostics Nichols Institute San Juan Capistrano); PubMed 26761715 (cited by Women's Health and Genetics/Laboratory Corporation of America, LabCorp).